The following is an entry in ClinVar:

ClinVar aggregate classification (germline): Uncertain significance (1 of 4 stars; one submission).

Conditions:
Arrhythmogenic cardiomyopathy with wooly hair and keratoderma. Also called: Carvajal syndrome; PALMOPLANTAR KERATODERMA WITH LEFT VENTRICULAR CARDIOMYOPATHY AND WOOLLY HAIR; Dilated cardiomyopathy with woolly hair and keratoderma; Arrhythmogenic cardiomyopathy with woolly hair and keratoderma. Identifiers: Orphanet 65282, MedGen C1854063, MONDO:0011581, OMIM 605676.
Arrhythmogenic right ventricular dysplasia 8 (ARVD8). Also called: Arrhythmogenic Right Ventricular Dysplasia/Cardiomyopathy 8; ARRHYTHMOGENIC RIGHT VENTRICULAR DYSPLASIA, FAMILIAL, 8; ARRHYTHMOGENIC RIGHT VENTRICULAR CARDIOMYOPATHY 8. Identifiers: MedGen C1843896, MONDO:0011831, OMIM 607450.

Submission:

Labcorp Genetics (formerly Invitae), Labcorp
Classification: Uncertain significance for Arrhythmogenic cardiomyopathy with wooly hair and keratoderma; Arrhythmogenic right ventricular dysplasia 8. Last evaluated: 2025-11-13. Review status: criteria provided, single submitter. Criteria: Invitae Variant Classification Sherloc (09022015). Collection method: clinical testing. Allele origin: germline.
Comment: This sequence change replaces arginine, which is basic and polar, with lysine, which is basic and polar, at codon 2118 of the DSP protein (p.Arg2118Lys). This variant is not present in population databases (gnomAD no frequency). This variant has not been reported in the literature in individuals affected with DSP-related conditions. An algorithm developed to predict the effect of missense changes on protein structure and function (PolyPhen-2) suggests that this variant is likely to be tolerated. In summary, the available evidence is currently insufficient to determine the role of this variant in disease. Therefore, it has been classified as a Variant of Uncertain Significance.

NM_004415.4(DSP):c.6353G>A (p.Arg2118Lys)

Gene: DSP (desmoplakin; plus strand). Cytogenetic location: 6p24.3.
Variant type: single nucleotide variant.
Coding change: c.6353G>A on transcript NM_004415.4 (MANE Select); coding-DNA position 6353, G replaced by A.
Protein change: p.Arg2118Lys; replaces arginine 2118 with lysine.
Molecular consequence: missense variant.
Genome position (GRCh38, 1-based): chr6:7,583,615, G>A. VCF-style: chr6-7583615-G-A. GRCh37 (hg19) VCF-style: chr6-7583848-G-A.
Other names: c.4556G>A, p.Arg1519Lys (NM_001008844.3); c.5024G>A, p.Arg1675Lys (NM_001319034.2); short protein forms R1675K, R1519K, R2118K.
Identifiers: ClinVar variation 4786701 (VCV004786701.1).